The following is an entry in ClinVar:

NM_000522.5(HOXA13):c.551T>A (p.Met184Lys)

Genes: HOXA13 (homeobox A13; minus strand), LOC107126288 (NUP98-HOXA13 recombination region; plus strand). Cytogenetic location: 7p15.2.
Variant type: single nucleotide variant.
Coding change: c.551T>A on transcript NM_000522.5 (MANE Select); coding-DNA position 551, T replaced by A.
Protein change: p.Met184Lys; replaces methionine 184 with lysine.
Molecular consequence: missense variant.
Genome position (GRCh38, 1-based): chr7:27,199,527, A>T on the plus strand (T>A on the coding strand, the complement: HOXA13 is on the minus strand). VCF-style: chr7-27199527-A-T. GRCh37 (hg19) VCF-style: chr7-27239146-A-T.
Other names: short protein forms M184K.
Identifiers: ClinVar variation 3284628 (VCV003284628.3).

ClinVar aggregate classification (germline): Uncertain significance. Review status: criteria provided, multiple submitters, no conflicts (2 of 4 stars). 2 submissions from 2 submitters: Uncertain significance (2). Last evaluated 2026-01-22.

Conditions:
Inborn genetic diseases. Identifiers: MedGen C0950123, MeSH D030342.

Submissions (2):

GeneDx
Classification: Uncertain significance. Last evaluated: 2026-01-22. Review status: criteria provided, single submitter. Criteria: GeneDx Variant Classification Process June 2021. Collection method: clinical testing. Allele origin: germline.
Comment: Not observed at significant frequency in large population cohorts (gnomAD); In silico analysis supports that this missense variant does not alter protein structure/function; Has not been previously published as pathogenic or benign to our knowledge

Ambry Genetics
Classification: Uncertain significance for Inborn genetic diseases. Last evaluated: 2024-05-12. Review status: criteria provided, single submitter. Criteria: Ambry Variant Classification Scheme 2023. Collection method: clinical testing. Allele origin: germline.